The following is an entry in ClinVar:

ClinVar aggregate classification (germline): Likely pathogenic (1 of 4 stars; one submission).

Conditions:
Primary ciliary dyskinesia. Also called: Ciliary dyskinesia. Identifiers: Orphanet 244, MedGen C0008780, MONDO:0016575, HP:0012265.

Submission:

Labcorp Genetics (formerly Invitae), Labcorp
Classification: Likely pathogenic for Primary ciliary dyskinesia. Last evaluated: 2022-08-16. Review status: criteria provided, single submitter. Criteria: Invitae Variant Classification Sherloc (09022015). Collection method: clinical testing. Allele origin: germline.
Comment: In summary, the currently available evidence indicates that the variant is pathogenic, but additional data are needed to prove that conclusively. Therefore, this variant has been classified as Likely Pathogenic. Algorithms developed to predict the effect of sequence changes on RNA splicing suggest that this variant may disrupt the consensus splice site. ClinVar contains an entry for this variant (Variation ID: 956382). This variant has not been reported in the literature in individuals affected with DNAI1-related conditions. This variant is not present in population databases (gnomAD no frequency). This sequence change affects an acceptor splice site in intron 4 of the DNAI1 gene. It is expected to disrupt RNA splicing. Variants that disrupt the donor or acceptor splice site typically lead to a loss of protein function (PMID: 16199547), and loss-of-function variants in DNAI1 are known to be pathogenic (PMID: 16858015, 29363216).

Literature cited by the submitters: PubMed 16199547; PubMed 16858015; PubMed 29363216.

NM_012144.4(DNAI1):c.262-2A>G

Gene: DNAI1 (dynein axonemal intermediate chain 1; plus strand). Cytogenetic location: 9p13.3.
Variant type: single nucleotide variant.
Coding change: c.262-2A>G on transcript NM_012144.4 (MANE Select); the canonical splice acceptor site of the intron before coding-DNA position 262, A replaced by G.
Molecular consequence: splice acceptor variant.
Genome position (GRCh38, 1-based): chr9:34,489,321, A>G. VCF-style: chr9-34489321-A-G. GRCh37 (hg19) VCF-style: chr9-34489319-A-G.
Other names: c.262-2A>G (NM_001281428.2).
Identifiers: ClinVar variation 956382 (VCV000956382.8), dbSNP rs1824533495, ClinGen allele CA373244209.